The following is an entry in ClinVar:

ClinVar aggregate classification (germline): Uncertain significance (1 of 4 stars; one submission).

Conditions:
Hereditary cancer-predisposing syndrome. Also called: Hereditary neoplastic syndrome; Neoplastic Syndromes, Hereditary; Tumor predisposition; Hereditary Cancer Syndrome. Identifiers: Orphanet 140162, MedGen C0027672, MeSH D009386, MONDO:0015356.

Submission:

Ambry Genetics
Classification: Uncertain significance for Hereditary cancer-predisposing syndrome. Last evaluated: 2025-06-26. Review status: criteria provided, single submitter. Criteria: Ambry Variant Classification Scheme 2023. Collection method: clinical testing. Allele origin: germline.
Comment: The c.5497_5498insTTC variant (also known as p.D1832_R1833insI), located in coding exon 15 of the APC gene, results from an in-frame TTC insertion at nucleotide positions 5497 to 5498. This results in the insertion of an isoleucine residue between codons 1832 and 1833. This amino acid region is well conserved in available vertebrate species. In addition, this variant is predicted to be neutral by in silico analysis (Choi Y et al. PLoS ONE. 2012; 7(10):e46688). Based on the available evidence, the clinical significance of this variant remains unclear.

NM_000038.6(APC):c.5497_5498insTTC (p.Asp1832_Arg1833insIle)

Gene: APC (APC regulator of Wnt signaling pathway; plus strand). Cytogenetic location: 5q22.2.
Variant type: Insertion.
Coding change: c.5497_5498insTTC on transcript NM_000038.6 (MANE Select); coding-DNA positions 5497 to 5498, TTC inserted.
Protein change: p.Asp1832_Arg1833insIle.
Molecular consequence: non-coding transcript variant (on NR_176365.1).
Genome position: GRCh38 VCF-style: chr5-112841091-A-ATTC. GRCh37 (hg19) VCF-style: chr5-112176788-A-ATTC.
Other names: c.5497_5498insTTC, p.Asp1832_Arg1833insIle (NM_001127510.3, NM_001354895.2, NM_001407450.1); c.5443_5444insTTC, p.Asp1814_Arg1815insIle (NM_001127511.3); c.5551_5552insTTC, p.Asp1850_Arg1851insIle (NM_001354896.2, NM_001407447.1, NM_001407448.1 and 1 more transcripts); c.5527_5528insTTC, p.Asp1842_Arg1843insIle (NM_001354897.2); c.5422_5423insTTC, p.Asp1807_Arg1808insIle (NM_001354898.2); c.5413_5414insTTC, p.Asp1804_Arg1805insIle (NM_001354899.2); c.5374_5375insTTC, p.Asp1791_Arg1792insIle (NM_001354900.2); c.5320_5321insTTC, p.Asp1773_Arg1774insIle (NM_001354901.2, NM_001407453.1); and 11 more.
Identifiers: ClinVar variation 4120347 (VCV004120347.1).